The following is an entry in ClinVar:

ClinVar aggregate classification (germline): Uncertain significance. Review status: criteria provided, multiple submitters, no conflicts (2 of 4 stars). 2 submissions from 2 submitters: Uncertain significance (2). Last evaluated 2025-02-20.

Conditions:
Walker-Warburg congenital muscular dystrophy. Also called: Muscular dystrophy-dystroglycanopathy, type A; Walker-Warburg syndrome. Identifiers: Orphanet 899, MedGen C0265221, MONDO:0000171.
Cardiovascular phenotype. Identifiers: MedGen CN230736.

Submissions (2):

Ambry Genetics
Classification: Uncertain significance for Cardiovascular phenotype. Last evaluated: 2025-02-20. Review status: criteria provided, single submitter. Criteria: Ambry Variant Classification Scheme 2023. Collection method: clinical testing. Allele origin: germline.
Comment: The p.R35Q variant (also known as c.104G>A), located in coding exon 1 of the FKRP gene, results from a G to A substitution at nucleotide position 104. The arginine at codon 35 is replaced by glutamine, an amino acid with highly similar properties. This amino acid position is conserved. In addition, this alteration is predicted to be tolerated by in silico analysis. Based on the available evidence, the clinical significance of this variant remains unclear.

Labcorp Genetics (formerly Invitae), Labcorp
Classification: Uncertain significance for Walker-Warburg congenital muscular dystrophy. Last evaluated: 2021-09-01. Review status: criteria provided, single submitter. Criteria: Invitae Variant Classification Sherloc (09022015). Collection method: clinical testing. Allele origin: germline.
Comment: This sequence change replaces arginine with glutamine at codon 35 of the FKRP protein (p.Arg35Gln). The arginine residue is moderately conserved and there is a small physicochemical difference between arginine and glutamine. This variant is not present in population databases (ExAC no frequency). This variant has not been reported in the literature in individuals affected with FKRP-related conditions. Algorithms developed to predict the effect of missense changes on protein structure and function (SIFT, PolyPhen-2, Align-GVGD) all suggest that this variant is likely to be tolerated. In summary, the available evidence is currently insufficient to determine the role of this variant in disease. Therefore, it has been classified as a Variant of Uncertain Significance.

NM_024301.5(FKRP):c.104G>A (p.Arg35Gln)

Gene: FKRP (fukutin related protein; plus strand). Cytogenetic location: 19q13.32.
Variant type: single nucleotide variant.
Coding change: c.104G>A on transcript NM_024301.5 (MANE Select); coding-DNA position 104, G replaced by A.
Protein change: p.Arg35Gln; replaces arginine 35 with glutamine.
Molecular consequence: missense variant.
Genome position (GRCh38, 1-based): chr19:46,755,554, G>A. VCF-style: chr19-46755554-G-A. GRCh37 (hg19) VCF-style: chr19-47258811-G-A.
Other names: c.104G>A, p.Arg35Gln (NM_001039885.3); c.104G>A (NM_024301.4); short protein forms R35Q.
Identifiers: ClinVar variation 1043675 (VCV001043675.7), dbSNP rs754088436, ClinGen allele CA406494676.